The following is an entry in ClinVar:

NM_001161352.2(KCNMA1):c.1400A>G (p.Gln467Arg)

Gene: KCNMA1 (potassium calcium-activated channel subfamily M alpha 1; minus strand). Cytogenetic location: 10q22.3.
Variant type: single nucleotide variant.
Coding change: c.1400A>G on transcript NM_001161352.2 (MANE Select); coding-DNA position 1400, A replaced by G.
Protein change: p.Gln467Arg; replaces glutamine 467 with arginine.
Molecular consequence: missense variant.
Genome position (GRCh38, 1-based): chr10:77,086,528, T>C on the plus strand (A>G on the coding strand, the complement: KCNMA1 is on the minus strand). VCF-style: chr10-77086528-T-C. GRCh37 (hg19) VCF-style: chr10-78846286-T-C.
Other names: c.1400A>G, p.Gln467Arg (NM_001014797.3, NM_001161353.2, NM_001271519.2 and 9 more transcripts); c.1238A>G, p.Gln413Arg (NM_001271518.2); c.860A>G, p.Gln287Arg (NM_001322838.2); c.1532A>G, p.Gln511Arg (NM_001437422.1); short protein forms Q287R, Q413R, Q467R, Q511R.
Identifiers: ClinVar variation 4529607 (VCV004529607.1).

ClinVar aggregate classification (germline): Uncertain significance (1 of 4 stars; one submission).

Submission:

GeneDx
Classification: Uncertain significance. Last evaluated: 2025-05-16. Review status: criteria provided, single submitter. Criteria: GeneDx Variant Classification Process June 2021. Collection method: clinical testing. Allele origin: germline. Affected: yes.
Comment: Not observed at significant frequency in large population cohorts (gnomAD); In silico analysis supports that this missense variant has a deleterious effect on protein structure/function; Has not been previously published as pathogenic or benign to our knowledge